The following is an entry in ClinVar:

ClinVar aggregate classification (germline): Conflicting classifications of pathogenicity. Review status: criteria provided, conflicting classifications (1 of 4 stars). 2 submissions from 2 submitters: Uncertain significance (1); Likely benign (1). Last evaluated 2023-03-23.

Conditions:
Hereditary cancer-predisposing syndrome. Also called: Neoplastic Syndromes, Hereditary; Tumor predisposition; Hereditary Cancer Syndrome; Hereditary neoplastic syndrome. Identifiers: Orphanet 140162, MedGen C0027672, MeSH D009386, MONDO:0015356.

Submissions (2):

University of Washington Department of Laboratory Medicine, University of Washington
Classification: Likely benign for Hereditary cancer-predisposing syndrome. Last evaluated: 2023-03-23. Review status: criteria provided, single submitter. Criteria: Dines et al. (Genet Med. 2020). Collection method: curation. Allele origin: germline.
Comment: Missense variant in a coldspot region where missense variants are very unlikely to be pathogenic (PMID:31911673).

BRCA2 exon 11 coldspot. Reclassification based on statistical prior probability.

Ambry Genetics
Classification: Uncertain significance for Hereditary cancer-predisposing syndrome. Last evaluated: 2021-06-04. Review status: criteria provided, single submitter. Criteria: Ambry Variant Classification Scheme 2023. Collection method: clinical testing. Allele origin: germline.
Comment: The p.D1337A variant (also known as c.4010A>C), located in coding exon 10 of the BRCA2 gene, results from an A to C substitution at nucleotide position 4010. The aspartic acid at codon 1337 is replaced by alanine, an amino acid with dissimilar properties. This amino acid position is not well conserved in available vertebrate species. In addition, this alteration is predicted to be tolerated by in silico analysis. Since supporting evidence is limited at this time, the clinical significance of this alteration remains unclear.

NM_000059.4(BRCA2):c.4010A>C (p.Asp1337Ala)

Gene: BRCA2 (BRCA2 DNA repair associated; plus strand). Cytogenetic location: 13q13.1.
Variant type: single nucleotide variant.
Coding change: c.4010A>C on transcript NM_000059.4 (MANE Select); coding-DNA position 4010, A replaced by C.
Protein change: p.Asp1337Ala; replaces aspartic acid 1337 with alanine.
Molecular consequence: missense variant.
Genome position (GRCh38, 1-based): chr13:32,338,365, A>C. VCF-style: chr13-32338365-A-C. GRCh37 (hg19) VCF-style: chr13-32912502-A-C.
Other names: c.4010A>C, p.Asp1337Ala (NM_001406719.1, NM_001406720.1); short protein forms D1337A.
Identifiers: ClinVar variation 1737016 (VCV001737016.4), dbSNP rs1555283501, ClinGen allele CA387779015.